The following is an entry in ClinVar:

NM_001291303.3(FAT4):c.5043T>A (p.Phe1681Leu)

Gene: FAT4 (FAT atypical cadherin 4; plus strand). Cytogenetic location: 4q28.1.
Variant type: single nucleotide variant.
Coding change: c.5043T>A on transcript NM_001291303.3 (MANE Select); coding-DNA position 5043, T replaced by A.
Protein change: p.Phe1681Leu; replaces phenylalanine 1681 with leucine.
Molecular consequence: missense variant.
Genome position (GRCh38, 1-based): chr4:125,321,454, T>A. VCF-style: chr4-125321454-T-A. GRCh37 (hg19) VCF-style: chr4-126242609-T-A.
Other names: c.5043T>A, p.Phe1681Leu (NM_001291285.3, NM_024582.6); short protein forms F1681L.
Identifiers: ClinVar variation 1912061 (VCV001912061.2), dbSNP rs374640692, ClinGen allele CA3072566.

ClinVar aggregate classification (germline): Uncertain significance (1 of 4 stars; one submission).

Allele frequency attached by ClinVar (database versions not stated): TOPMed below 0.00001; ESP Exome Variant Server 0.00008.

Submission:

Labcorp Genetics (formerly Invitae), Labcorp
Classification: Uncertain significance. Last evaluated: 2021-12-08. Review status: criteria provided, single submitter. Criteria: Invitae Variant Classification Sherloc (09022015). Collection method: clinical testing. Allele origin: germline.
Comment: This sequence change replaces phenylalanine, which is neutral and non-polar, with leucine, which is neutral and non-polar, at codon 1681 of the FAT4 protein (p.Phe1681Leu). This variant is present in population databases (rs374640692, gnomAD 0.002%). This variant has not been reported in the literature in individuals affected with FAT4-related conditions. Advanced modeling of protein sequence and biophysical properties (such as structural, functional, and spatial information, amino acid conservation, physicochemical variation, residue mobility, and thermodynamic stability) performed at Invitae indicates that this missense variant is not expected to disrupt FAT4 protein function. In summary, the available evidence is currently insufficient to determine the role of this variant in disease. Therefore, it has been classified as a Variant of Uncertain Significance.